The following is an entry in ClinVar:

ClinVar aggregate classification (germline): Uncertain significance (1 of 4 stars; one submission).

Conditions:
Joubert syndrome 21 (JBTS21). Identifiers: MedGen C3810212, MONDO:0014288, OMIM 615636.

Allele frequency attached by ClinVar (database versions not stated): gnomAD exomes below 0.00001; ExAC 0.00001; gnomAD 0.00001.
gnomAD v4.1: 6 of 1,475,706 alleles (0.00041%); highest among the groups gnomAD compares: Non-Finnish European, 0.00057%; no homozygotes.

Submission:

Labcorp Genetics (formerly Invitae), Labcorp
Classification: Uncertain significance for Joubert syndrome 21. Last evaluated: 2022-03-05. Review status: criteria provided, single submitter. Criteria: Invitae Variant Classification Sherloc (09022015). Collection method: clinical testing. Allele origin: germline.
Comment: This sequence change replaces proline, which is neutral and non-polar, with leucine, which is neutral and non-polar, at codon 111 of the CSPP1 protein (p.Pro111Leu). This variant is present in population databases (rs768161450, gnomAD 0.0009%). This variant has not been reported in the literature in individuals affected with CSPP1-related conditions. Algorithms developed to predict the effect of missense changes on protein structure and function are either unavailable or do not agree on the potential impact of this missense change (SIFT: "Deleterious"; PolyPhen-2: "Possibly Damaging"; Align-GVGD: "Class C0"). In summary, the available evidence is currently insufficient to determine the role of this variant in disease. Therefore, it has been classified as a Variant of Uncertain Significance.

NM_001382391.1(CSPP1):c.224C>T (p.Pro75Leu)

Gene: CSPP1 (centrosome and spindle pole associated protein 1; plus strand). Cytogenetic location: 8q13.1.
Variant type: single nucleotide variant.
Coding change: c.224C>T on transcript NM_001382391.1 (MANE Select); coding-DNA position 224, C replaced by T.
Protein change: p.Pro75Leu; replaces proline 75 with leucine.
Molecular consequence: missense variant. On other transcripts: 5 prime UTR variant (1).
Genome position (GRCh38, 1-based): chr8:67,086,031, C>T. VCF-style: chr8-67086031-C-T. GRCh37 (hg19) VCF-style: chr8-67998266-C-T.
Other names: c.-551C>T (NM_001291339.2); c.224C>T, p.Pro75Leu (NM_001363131.2, NM_001363132.2, NM_001363133.2); c.332C>T, p.Pro111Leu (NM_001364869.1, NM_001364870.1, NM_024790.7); short protein forms P111L, P75L.
Identifiers: ClinVar variation 2052129 (VCV002052129.4), dbSNP rs768161450, ClinGen allele CA4770175.
Genomic context (GRCh38, chr8:67,086,031, plus strand): 5'-AAAATGAATTATACTAAGAAGTTGTTTTTTTTCTAGGAATTGATTATGGATTAAGTTTAC[C>T]ACTTGGAGAAGACTATGAACGGAAGAAACATAAATTAAAAGAAGAATTGCGGCAAGATTA-3'
Protein context (NP_001369320.1, residues 65-85): SLGIDYGLSL[Pro75Leu]LGEDYERKKH